The following is an entry in ClinVar:

ClinVar aggregate classification (germline): Uncertain significance (1 of 4 stars; one submission).

Submission:

GeneDx
Classification: Uncertain significance. Last evaluated: 2026-02-19. Review status: criteria provided, single submitter. Criteria: GeneDx Variant Classification Process June 2021. Collection method: clinical testing. Allele origin: germline.
Comment: Not observed at significant frequency in large population cohorts (gnomAD); In silico analysis supports that this missense variant has a deleterious effect on protein structure/function; Has not been previously published as pathogenic or benign to our knowledge

NM_001303256.3(MORC2):c.97C>T (p.Leu33Phe)

Gene: MORC2 (MORC family CW-type zinc finger 2; minus strand). Cytogenetic location: 22q12.2.
Variant type: single nucleotide variant.
Coding change: c.97C>T on transcript NM_001303256.3 (MANE Select); coding-DNA position 97, C replaced by T.
Protein change: p.Leu33Phe; replaces leucine 33 with phenylalanine.
Molecular consequence: missense variant. On other transcripts: 5 prime UTR variant (1).
Genome position (GRCh38, 1-based): chr22:30,958,666, G>A on the plus strand (C>T on the coding strand, the complement: MORC2 is on the minus strand). VCF-style: chr22-30958666-G-A. GRCh37 (hg19) VCF-style: chr22-31354652-G-A.
Other names: c.97C>T, p.Leu33Phe (NM_001303257.2); c.-90C>T (NM_014941.3); short protein forms L33F.
Identifiers: ClinVar variation 5009667 (VCV005009667.1).